The following is an entry in ClinVar:

Conditions:
Breast-ovarian cancer, familial, susceptibility to, 1 (BROVCA1). Also called: BRCA1 Hereditary Breast and Ovarian Cancer; OVARIAN CANCER, SUSCEPTIBILITY TO. Identifiers: Orphanet 145, MedGen C2676676, MONDO:0011450, OMIM 604370. Disease mechanism: loss of function.

Submission:

Brotman Baty Institute, University of Washington
No classification provided (evidence only). Condition: Breast-ovarian cancer, familial 1. Review status: no classification provided. Collection method: in vitro. Allele origin: not applicable. Functional consequence: functionally_normal.
ClinVar note: "not provided" was previously submitted as the classification for the variant. However, the classification appeared to be based only on an observation of functional data so it was converted to no classification on 2025-07-30.

NM_007294.4(BRCA1):c.5278-8T>A

Gene: BRCA1 (BRCA1 DNA repair associated; minus strand). Cytogenetic location: 17q21.31.
Variant type: single nucleotide variant.
Coding change: c.5278-8T>A on transcript NM_007294.4 (MANE Select); 8 bases into the intron before coding-DNA position 5278, T replaced by A.
Molecular consequence: intron variant.
Genome position (GRCh38, 1-based): chr17:43,051,125, A>T on the plus strand (T>A on the coding strand, the complement: BRCA1 is on the minus strand). VCF-style: chr17-43051125-A-T. GRCh37 (hg19) VCF-style: chr17-41203142-A-T.
Other names: c.5275-8T>A (NM_001407623.1, NM_001407615.1, NM_001407625.1 and 17 more transcripts); c.5278-8T>A (NM_001407605.1, NM_001407594.1, NM_001407593.1 and 6 more transcripts); c.5065-8T>A (NM_001407902.1, NM_001407897.1, NM_001407908.1 and 12 more transcripts); c.1888-8T>A (NM_001408414.1, NM_001408415.1, NM_001408412.1 and 2 more transcripts); c.1891-8T>A (NM_001408411.1); c.5200-8T>A (NM_001407655.1, NM_001407654.1, NM_001407652.1 and 1 more transcripts); c.4939-8T>A (NM_001407956.1, NM_001407957.1, NM_001407958.1); c.4945-8T>A (NM_001407947.1, NM_001407949.1, NM_001407946.1 and 1 more transcripts); and 74 more.
Identifiers: ClinVar variation 865258 (VCV000865258.3), dbSNP rs2051216541, ClinGen allele CA916081062.
Genomic context (GRCh38, chr17:43,051,125, plus strand): 5'-GTGGGCATGTTGGTGAAGGGCCCATAGCAACAGATTTCTAGCCCCCTGAAGATCTGGAAG[A>T]AGAGAGGAAGAGAGAGGGACAGGGGAATGGAGAGAAGGAAAATCTAGTTATAAAAGAATA-3'